The following is an entry in ClinVar:

NM_153000.5(APCDD1):c.1177G>A (p.Glu393Lys)

Gene: APCDD1 (APC down-regulated 1; plus strand). Cytogenetic location: 18p11.22.
Variant type: single nucleotide variant.
Coding change: c.1177G>A on transcript NM_153000.5 (MANE Select); coding-DNA position 1177, G replaced by A.
Protein change: p.Glu393Lys; replaces glutamic acid 393 with lysine.
Molecular consequence: missense variant.
Genome position (GRCh38, 1-based): chr18:10,487,670, G>A. VCF-style: chr18-10487670-G-A. GRCh37 (hg19) VCF-style: chr18-10487667-G-A.
Other names: short protein forms E393K.
Identifiers: ClinVar variation 2590674 (VCV002590674.6), dbSNP rs1361536724, ClinGen allele CA401906094.
Genomic context (GRCh38, chr18:10,487,670, plus strand): 5'-CCCATGGATGCGGCCACAGCCTCACTGCTCAACGTCTTCAACGGGAATGAGTGCGGGGCC[G>A]AGGGCTCCTGGCAGGTGGGCATCCAGCAGGATGTGACCCACACCAATGGCTGCGTGGCCC-3'
Protein context (NP_694545.1, residues 383-403): NVFNGNECGA[Glu393Lys]GSWQVGIQQD

ClinVar aggregate classification (germline): Uncertain significance. Review status: criteria provided, multiple submitters, no conflicts (2 of 4 stars). 2 submissions from 2 submitters: Uncertain significance (2). Last evaluated 2025-08-11.

Allele frequency attached by ClinVar (database versions not stated): TOPMed 0.00002; gnomAD 0.00003.
gnomAD v4.1: 27 of 1,614,040 alleles (0.0017%); highest among the groups gnomAD compares: South Asian, 0.0022%; no homozygotes.

Submissions (2):

Ambry Genetics
Classification: Uncertain significance. Last evaluated: 2025-08-11. Review status: criteria provided, single submitter. Criteria: Ambry Variant Classification Scheme 2023. Collection method: clinical testing. Allele origin: germline.

Labcorp Genetics (formerly Invitae), Labcorp
Classification: Uncertain significance. Last evaluated: 2023-07-21. Review status: criteria provided, single submitter. Criteria: Invitae Variant Classification Sherloc (09022015). Collection method: clinical testing. Allele origin: germline.
Comment: In summary, the available evidence is currently insufficient to determine the role of this variant in disease. Therefore, it has been classified as a Variant of Uncertain Significance. Advanced modeling of protein sequence and biophysical properties (such as structural, functional, and spatial information, amino acid conservation, physicochemical variation, residue mobility, and thermodynamic stability) performed at Invitae indicates that this missense variant is not expected to disrupt APCDD1 protein function. This variant has not been reported in the literature in individuals affected with APCDD1-related conditions. This variant is present in population databases (no rsID available, gnomAD 0.003%). This sequence change replaces glutamic acid, which is acidic and polar, with lysine, which is basic and polar, at codon 393 of the APCDD1 protein (p.Glu393Lys).